The following is an entry in ClinVar:

NM_000444.6(PHEX):c.82G>A (p.Gly28Ser)

Gene: PHEX (phosphate regulating endopeptidase X-linked; plus strand). Cytogenetic location: Xp22.11.
Variant type: single nucleotide variant.
Coding change: c.82G>A on transcript NM_000444.6 (MANE Select); coding-DNA position 82, G replaced by A.
Protein change: p.Gly28Ser; replaces glycine 28 with serine.
Molecular consequence: missense variant.
Genome position (GRCh38, 1-based): chrX:22,033,087, G>A. VCF-style: chrX-22033087-G-A. GRCh37 (hg19) VCF-style: chrX-22051205-G-A.
Other names: c.82G>A, p.Gly28Ser (NM_001282754.2); short protein forms G28S.
Identifiers: ClinVar variation 1166496 (VCV001166496.10), dbSNP rs760556268, ClinGen allele CA10367960.

ClinVar aggregate classification (germline): Benign/Likely benign. Review status: criteria provided, multiple submitters, no conflicts (2 of 4 stars). 4 submissions from 4 submitters: Benign (2); Likely benign (2). Last evaluated 2025-12-10.

Conditions:
Familial X-linked hypophosphatemic vitamin D refractory rickets (XLHRD). Also called: Hypophosphatemia, vitamin D-resistant rickets; Vitamin D-resistant rickets, X-linked; X-Linked Hypophosphatemia; Hypophosphatemic Rickets, X-Linked Dominant; HYPOPHOSPHATEMIC VITAMIN D-RESISTANT RICKETS. Identifiers: Orphanet 89936, MedGen C0733682, MONDO:0010619, OMIM 307800.

Allele frequency attached by ClinVar (database versions not stated): TOPMed 0.00008; gnomAD 0.00009 and 0.00010; ExAC 0.00010; gnomAD exomes 0.00011.
gnomAD v4.1: 125 of 1,206,046 alleles (0.01%); highest among the groups gnomAD compares: Non-Finnish European, 0.012%; no homozygotes.

Submissions (4):

Women's Health and Genetics/Laboratory Corporation of America, LabCorp
Classification: Likely benign. Last evaluated: 2025-12-10. Review status: criteria provided, single submitter. Criteria: LabCorp Variant Classification Summary - May 2015. Collection method: clinical testing. Allele origin: germline.
Comment: Variant summary: PHEX c.82G>A (p.Gly28Ser) results in a non-conservative amino acid change in the encoded protein sequence. Algorithms developed to predict the effect of missense changes on protein structure and function are either unavailable or do not agree on the potential impact of this missense change. The variant allele was found at a frequency of 0.00011 in 182872 control chromosomes. The observed variant frequency exceeds the estimated maximal expected allele frequency for disease-causing variants in PHEX. To our knowledge, no occurrence of c.82G>A in individuals affected with PHEX-related conditions and no experimental evidence demonstrating its impact on protein function have been reported. The following publications have been ascertained in the context of this evaluation (PMID: 19513579, 22810696, 34806794, 27245685). ClinVar contains an entry for this variant (Variation ID: 1166496). Based on the evidence outlined above, the variant was classified as likely benign.

Labcorp Genetics (formerly Invitae), Labcorp
Classification: Benign. Last evaluated: 2025-10-14. Review status: criteria provided, single submitter. Criteria: Invitae Variant Classification Sherloc (09022015). Collection method: clinical testing. Allele origin: germline.

Department of Pathology and Laboratory Medicine, Sinai Health System
Classification: Benign for Familial X-linked hypophosphatemic vitamin D refractory rickets. Last evaluated: 2022-06-21. Review status: criteria provided, single submitter. Criteria: ACMG Guidelines, 2015. Collection method: research. Allele origin: germline.

Fulgent Genetics
Classification: Likely benign for Familial X-linked hypophosphatemic vitamin D refractory rickets. Last evaluated: 2021-12-09. Review status: criteria provided, single submitter. Criteria: ACMG Guidelines, 2015. Collection method: clinical testing. Allele origin: unknown.

Literature cited by the submitters: PubMed 34806794 (cited by Women's Health and Genetics/Laboratory Corporation of America, LabCorp); PubMed 27245685 (cited by Women's Health and Genetics/Laboratory Corporation of America, LabCorp); PubMed 19513579 (cited by Women's Health and Genetics/Laboratory Corporation of America, LabCorp).